The following is an entry in ClinVar:

ClinVar aggregate classification (germline): Conflicting classifications of pathogenicity. Review status: criteria provided, conflicting classifications (1 of 4 stars). 3 submissions from 3 submitters: Uncertain significance (2); Likely benign (1). Last evaluated 2025-11-17.

Conditions:
Inborn genetic diseases. Identifiers: MedGen C0950123, MeSH D030342.

Allele frequency attached by ClinVar (database versions not stated): gnomAD exomes below 0.00001; TOPMed below 0.00001.
gnomAD v4.1: 6 of 1,611,958 alleles (0.00037%); highest among the groups gnomAD compares: East Asian, 0.0045%; no homozygotes.

Submissions (3):

Labcorp Genetics (formerly Invitae), Labcorp
Classification: Uncertain significance. Last evaluated: 2025-11-17. Review status: criteria provided, single submitter. Criteria: Invitae Variant Classification Sherloc (09022015). Collection method: clinical testing. Allele origin: germline.
Comment: This sequence change replaces leucine, which is neutral and non-polar, with proline, which is neutral and non-polar, at codon 1768 of the ARID1A protein (p.Leu1768Pro). This variant is present in population databases (no rsID available, gnomAD 0.006%). This variant has not been reported in the literature in individuals affected with ARID1A-related conditions. ClinVar contains an entry for this variant (Variation ID: 434327). Invitae Evidence Modeling of protein sequence and biophysical properties (such as structural, functional, and spatial information, amino acid conservation, physicochemical variation, residue mobility, and thermodynamic stability) indicates that this missense variant is not expected to disrupt ARID1A protein function with a negative predictive value of 80%. In summary, the available evidence is currently insufficient to determine the role of this variant in disease. Therefore, it has been classified as a Variant of Uncertain Significance.

Ambry Genetics
Classification: Uncertain significance for Inborn genetic diseases. Last evaluated: 2025-04-13. Review status: criteria provided, single submitter. Criteria: Ambry Variant Classification Scheme 2023. Collection method: clinical testing. Allele origin: germline.

Genetic Services Laboratory, University of Chicago
Classification: Likely benign. Last evaluated: 2017-05-03. Review status: criteria provided, single submitter. Criteria: ACMG Guidelines, 2015. Collection method: clinical testing. Allele origin: germline. Affected: no.

NM_006015.6(ARID1A):c.5303T>C (p.Leu1768Pro)

Gene: ARID1A (AT-rich interaction domain 1A; plus strand). Cytogenetic location: 1p36.11.
Variant type: single nucleotide variant.
Coding change: c.5303T>C on transcript NM_006015.6 (MANE Select); coding-DNA position 5303, T replaced by C.
Protein change: p.Leu1768Pro; replaces leucine 1768 with proline.
Molecular consequence: missense variant.
Genome position (GRCh38, 1-based): chr1:26,779,201, T>C. VCF-style: chr1-26779201-T-C. GRCh37 (hg19) VCF-style: chr1-27105692-T-C.
Other names: c.4652T>C, p.Leu1551Pro (NM_139135.4); c.5303T>C (LRG_875t1); short protein forms L1768P, L1551P.
Identifiers: ClinVar variation 434327 (VCV000434327.9), dbSNP rs1302313826, ClinGen allele CA339184660.
Genomic context (GRCh38, chr1:26,779,201, plus strand): 5'-GGAGGTTCAGCAAGGTGTCTAGTCCAGCTCCCATGGAGGGTGGGGAAGAAGAAGAAGAAC[T>C]TCTAGGTCCTAAACTAGAAGAGGAAGAAGAAGAGGAAGTAGTTGAAAATGATGAGGAGAT-3'
Protein context (NP_006006.3, residues 1758-1778): PMEGGEEEEE[Leu1768Pro]LGPKLEEEEE